The following is an entry in ClinVar:

NM_001429.4(EP300):c.4142A>G (p.Tyr1381Cys)

Gene: EP300 (EP300 lysine acetyltransferase; plus strand). Cytogenetic location: 22q13.2.
Variant type: single nucleotide variant.
Coding change: c.4142A>G on transcript NM_001429.4 (MANE Select); coding-DNA position 4142, A replaced by G.
Protein change: p.Tyr1381Cys; replaces tyrosine 1381 with cysteine.
Molecular consequence: missense variant.
Genome position (GRCh38, 1-based): chr22:41,168,837, A>G. VCF-style: chr22-41168837-A-G. GRCh37 (hg19) VCF-style: chr22-41564841-A-G.
Other names: c.4064A>G, p.Tyr1355Cys (NM_001362843.2); short protein forms Y1381C, Y1355C.
Identifiers: ClinVar variation 4740172 (VCV004740172.1).

ClinVar aggregate classification (germline): Uncertain significance (1 of 4 stars; one submission).

Conditions:
Rubinstein-Taybi syndrome due to EP300 haploinsufficiency. Also called: RUBINSTEIN-TAYBI SYNDROME 2; EP300-Related Rubinstein-Taybi Syndrome. Identifiers: Orphanet 353284, Orphanet 783, MedGen C3150941, MONDO:0013364, OMIM 613684.

Submission:

Labcorp Genetics (formerly Invitae), Labcorp
Classification: Uncertain significance for Rubinstein-Taybi syndrome due to EP300 haploinsufficiency. Last evaluated: 2025-10-10. Review status: criteria provided, single submitter. Criteria: Invitae Variant Classification Sherloc (09022015). Collection method: clinical testing. Allele origin: germline.
Comment: This sequence change replaces tyrosine, which is neutral and polar, with cysteine, which is neutral and slightly polar, at codon 1381 of the EP300 protein (p.Tyr1381Cys). This variant is not present in population databases (gnomAD no frequency). This variant has not been reported in the literature in individuals affected with EP300-related conditions. Invitae Evidence Modeling of protein sequence and biophysical properties (such as structural, functional, and spatial information, amino acid conservation, physicochemical variation, residue mobility, and thermodynamic stability) indicates that this missense variant is expected to disrupt EP300 protein function with a positive predictive value of 80%. In summary, the available evidence is currently insufficient to determine the role of this variant in disease. Therefore, it has been classified as a Variant of Uncertain Significance.